The following is an entry in ClinVar:

ClinVar aggregate classification (germline): Benign/Likely benign. Review status: criteria provided, multiple submitters, no conflicts (2 of 4 stars). 3 submissions from 3 submitters: Benign (1); Likely benign (2). Last evaluated 2025-02-19.

Conditions:
Breast-ovarian cancer, familial, susceptibility to, 3. Also called: RAD51C-Related Breast/Ovarian Cancer. Identifiers: Orphanet 145, MedGen C3150659, MONDO:0013253, OMIM 613399.
Fanconi anemia complementation group O. Also called: RAD51C-Related Fanconi Anemia. Identifiers: Orphanet 84, MedGen C3150653, MONDO:0013248, OMIM 613390.

Submissions (3):

Myriad Genetics, Inc.
Classification: Likely benign for Breast-ovarian cancer, familial, susceptibility to, 3. Last evaluated: 2025-02-19. Review status: criteria provided, single submitter. Criteria: Myriad Autosomal Dominant, Autosomal Recessive and X-Linked Classification Criteria (2023). Collection method: clinical testing. Allele origin: unknown.
Comment: This variant is considered likely benign. This variant is intronic and is not expected to impact mRNA splicing.

Labcorp Genetics (formerly Invitae), Labcorp
Classification: Benign for Fanconi anemia complementation group O. Last evaluated: 2024-06-24. Review status: criteria provided, single submitter. Criteria: Invitae Variant Classification Sherloc (09022015). Collection method: clinical testing. Allele origin: germline.

GeneDx
Classification: Likely benign. Last evaluated: 2021-03-22. Review status: criteria provided, single submitter. Criteria: GeneDx Variant Classification Process June 2021. Collection method: clinical testing. Allele origin: germline. Affected: yes.

NM_058216.3(RAD51C):c.1027-10dup

Gene: RAD51C (RAD51 paralog C; plus strand). Cytogenetic location: 17q22.
Variant type: Duplication.
Coding change: c.1027-10dup on transcript NM_058216.3 (MANE Select); 10 bases into the intron before coding-DNA position 1027, one base duplicated (T; older notation c.1027-10dupT).
Molecular consequence: intron variant.
Genome position (GRCh38, 1-based): chr17:58,734,108, T duplicated; the last of 6 consecutive T bases (chr17:58,734,103-58,734,108); duplicating any one gives the same sequence. VCF-style (leftmost placement, unchanged base first): chr17-58734102-A-AT. GRCh37 (hg19) VCF-style: chr17-56811463-A-AT.
Other names: c.1027-10dup (LRG_314t1).
Identifiers: ClinVar variation 420603 (VCV000420603.50), dbSNP rs768715761, ClinGen allele CA8677405.